The following is an entry in ClinVar:

NM_004629.2(FANCG):c.1292T>C (p.Met431Thr)

Gene: FANCG (FA complementation group G; minus strand). Cytogenetic location: 9p13.3.
Variant type: single nucleotide variant.
Coding change: c.1292T>C on transcript NM_004629.2 (MANE Select); coding-DNA position 1292, T replaced by C.
Protein change: p.Met431Thr; replaces methionine 431 with threonine.
Molecular consequence: missense variant.
Genome position (GRCh38, 1-based): chr9:35,075,606, A>G on the plus strand (T>C on the coding strand, the complement: FANCG is on the minus strand). VCF-style: chr9-35075606-A-G. GRCh37 (hg19) VCF-style: chr9-35075603-A-G.
Other names: short protein forms M431T.
Identifiers: ClinVar variation 2040181 (VCV002040181.2), dbSNP rs759285011, ClinGen allele CA373308143.

ClinVar aggregate classification (germline): Uncertain significance. Review status: criteria provided, multiple submitters, no conflicts (2 of 4 stars). 2 submissions from 2 submitters: Uncertain significance (2). Last evaluated 2025-01-11.

Conditions:
Fanconi anemia (FA). Also called: Fanconi's anemia. Identifiers: Orphanet 84, MedGen C0015625, MeSH D005199, MONDO:0019391.
Inborn genetic diseases. Identifiers: MedGen C0950123, MeSH D030342.

gnomAD v4.1: 1 of 1,613,916 alleles (0.000062%); highest among the groups gnomAD compares: Non-Finnish European, 0.000085%; no homozygotes.

Submissions (2):

Ambry Genetics
Classification: Uncertain significance for Inborn genetic diseases. Last evaluated: 2025-01-11. Review status: criteria provided, single submitter. Criteria: Ambry Variant Classification Scheme 2023. Collection method: clinical testing. Allele origin: germline.
Comment: The p.M431T variant (also known as c.1292T>C), located in coding exon 10 of the FANCG gene, results from a T to C substitution at nucleotide position 1292. The methionine at codon 431 is replaced by threonine, an amino acid with similar properties. This amino acid position is conserved. In addition, this alteration is predicted to be tolerated by in silico analysis. Based on the available evidence, the clinical significance of this variant remains unclear.

Labcorp Genetics (formerly Invitae), Labcorp
Classification: Uncertain significance for Fanconi anemia. Last evaluated: 2022-10-10. Review status: criteria provided, single submitter. Criteria: Invitae Variant Classification Sherloc (09022015). Collection method: clinical testing. Allele origin: germline.
Comment: This sequence change replaces methionine, which is neutral and non-polar, with threonine, which is neutral and polar, at codon 431 of the FANCG protein (p.Met431Thr). This variant is not present in population databases (gnomAD no frequency). This variant has not been reported in the literature in individuals affected with FANCG-related conditions. Advanced modeling of protein sequence and biophysical properties (such as structural, functional, and spatial information, amino acid conservation, physicochemical variation, residue mobility, and thermodynamic stability) performed at Invitae indicates that this missense variant is not expected to disrupt FANCG protein function. In summary, the available evidence is currently insufficient to determine the role of this variant in disease. Therefore, it has been classified as a Variant of Uncertain Significance.